The following is an entry in ClinVar:

NM_007294.4(BRCA1):c.5333-1G>A

Gene: BRCA1 (BRCA1 DNA repair associated; minus strand). Cytogenetic location: 17q21.31.
Variant type: single nucleotide variant.
Coding change: c.5333-1G>A on transcript NM_007294.4 (MANE Select); the canonical splice acceptor site of the intron before coding-DNA position 5333, G replaced by A.
Molecular consequence: splice acceptor variant. On other transcripts: intron variant (19).
Genome position (GRCh38, 1-based): chr17:43,049,195, C>T on the plus strand (G>A on the coding strand, the complement: BRCA1 is on the minus strand). VCF-style: chr17-43049195-C-T. GRCh37 (hg19) VCF-style: chr17-41201212-C-T.
Other names: c.4442-1G>A (NM_001407967.1); c.4952-1G>A (NM_001407959.1); c.5066-1G>A (NM_001407931.1, NM_001407932.1, NM_001407928.1 and 4 more transcripts); c.5189-1G>A (NM_001407747.1, NM_001407745.1, NM_001407737.1 and 18 more transcripts); c.4949-1G>A (NM_001407962.1, NM_001407960.1); c.1520-1G>A (NM_001408512.1); c.1643-1G>A (NM_001408510.1); c.5123-1G>A (NM_001407885.1, NM_001407886.1, NM_001407881.1 and 5 more transcripts); and 84 more.
Identifiers: ClinVar variation 55533 (VCV000055533.24), dbSNP rs80358126, ClinGen allele CA003494.

ClinVar aggregate classification (germline): Pathogenic. Review status: criteria provided, multiple submitters, no conflicts (2 of 4 stars). 7 submissions from 7 submitters: Pathogenic (5). 2 of the submissions do not count toward it. Last evaluated 2026-02-16.

Conditions:
Fanconi anemia, complementation group S (FANCS). Identifiers: MedGen C4554406, MONDO:0054748, OMIM 617883.
Breast-ovarian cancer, familial, susceptibility to, 1 (BROVCA1). Also called: OVARIAN CANCER, SUSCEPTIBILITY TO; BRCA1 Hereditary Breast and Ovarian Cancer. Identifiers: Orphanet 145, MedGen C2676676, MONDO:0011450, OMIM 604370. Disease mechanism: loss of function.
Pancreatic cancer, susceptibility to, 4. Identifiers: Orphanet 1333, MedGen C3280442, MONDO:0013685, OMIM 614320.
Hereditary cancer-predisposing syndrome. Also called: Neoplastic Syndromes, Hereditary; Tumor predisposition; Hereditary Cancer Syndrome; Hereditary neoplastic syndrome. Identifiers: Orphanet 140162, MedGen C0027672, MeSH D009386, MONDO:0015356.
Hereditary breast ovarian cancer syndrome. Also called: Hereditary breast and/or ovarian cancer syndrome; Hereditary breast and ovarian cancer syndrome; Hereditary breast and ovarian cancer; Hereditary breast and ovarian cancer syndrome (HBOC); Breast and ovarian cancer; BRCA1- and BRCA2-Associated Hereditary Breast and Ovarian Cancer. Identifiers: Orphanet 145, MedGen C0677776, MeSH D061325, MONDO:0003582. Disease mechanism: loss of function.

Submissions (8):

Women's Health and Genetics/Laboratory Corporation of America, LabCorp
Classification: Pathogenic for Hereditary breast ovarian cancer syndrome. Last evaluated: 2026-02-16. Review status: criteria provided, single submitter. Criteria: LabCorp Variant Classification Summary - May 2015. Collection method: clinical testing. Allele origin: germline.
Comment: Variant summary: BRCA1 c.5333-1G>A is located in a canonical splice-site and is predicted to affect mRNA splicing resulting in a significantly altered protein due to either exon skipping, shortening, or inclusion of intronic material. Variants that disrupt the consensus splice site are a relatively common cause of aberrant splicing and loss of BRCA1 function. The variant was absent in 251414 control chromosomes. c.5333-1G>A has been observed in individual(s) affected with Hereditary Breast And Ovarian Cancer Syndrome. To our knowledge, no experimental evidence demonstrating an impact on protein function has been reported. The following publication have been ascertained in the context of this evaluation (PMID: 36627008). ClinVar contains an entry for this variant (Variation ID: 55533). Based on the evidence outlined above, the variant was classified as pathogenic.

Labcorp Genetics (formerly Invitae), Labcorp
Classification: Pathogenic for Hereditary breast ovarian cancer syndrome. Last evaluated: 2024-11-24. Review status: criteria provided, single submitter. Criteria: Invitae Variant Classification Sherloc (09022015). Collection method: clinical testing. Allele origin: germline.
Comment: This sequence change affects an acceptor splice site in intron 20 of the BRCA1 gene. RNA analysis indicates that disruption of this splice site induces altered splicing and may result in an absent or altered protein product. This variant is not present in population databases (gnomAD no frequency). Disruption of this splice site has been observed in individual(s) with breast cancer (PMID: 19941162, 28294317, 29310832). This variant is also known as IVS21-1G>A. ClinVar contains an entry for this variant (Variation ID: 55533). Studies have shown that disruption of this splice site results in skipping of exon 21, and produces a non-functional protein and/or introduces a premature termination codon (PMID: 29310832, 30209399). For these reasons, this variant has been classified as Pathogenic.

Ambry Genetics
Classification: Pathogenic for Hereditary cancer-predisposing syndrome. Last evaluated: 2020-11-17. Review status: criteria provided, single submitter. Criteria: Ambry Variant Classification Scheme 2023. Collection method: clinical testing. Allele origin: germline.
Comment: The c.5333-1G>A intronic pathogenic mutation results from a G to A substitution one nucleotide upstream from coding exon 20 of the BRCA1 gene. This alteration has been shown to result in a transcript lacking coding exon 20 (total exon 21) in RNA studies (Ambry internal data; Aspessos A. et al. Cancer Genet 2018 01;220:1-12). This transcript is not expected to trigger nonsense-mediated mRNA decay, however, the impacted region is critical for protein function (Ambry internal data). In addition, one functional study found that this nucleotide substitution is deleterious in a high throughput genome editing haploid cell survival assay (Findlay GM et al. Nature, 2018 10;562:217-222). This variant was not reported in population-based cohorts in the Genome Aggregation Database (gnomAD). In silico splice site analysis predicts that this alteration will weaken the native splice acceptor site. Based on the supporting evidence, this alteration is interpreted as a disease-causing mutation.

Quest Diagnostics Nichols Institute San Juan Capistrano
Classification: Pathogenic. Last evaluated: 2017-09-08. Review status: criteria provided, single submitter. Criteria: Quest Diagnostics criteria. Collection method: clinical testing. Allele origin: germline.

Juno Genomics, Hangzhou Juno Genomics, Inc
Classification: Pathogenic for Breast-ovarian cancer, familial, susceptibility to, 1; Pancreatic cancer, susceptibility to, 4; Fanconi anemia, complementation group S. Review status: criteria provided, single submitter. Criteria: ACMG Guidelines, 2015. Collection method: clinical testing. Allele origin: germline.
Comment: Absent from controls (or at extremely low frequency if recessive) in Genome Aggregation Database.;Null variant in a gene where loss of function (LOF) is a known mechanism of disease.;The prevalence of the variant in affected individuals is significantly increased compared to the prevalence in controls.

Counsyl
Classification: Likely pathogenic for Breast-ovarian cancer, familial 1. Last evaluated: 2014-08-12. Review status: no assertion criteria provided. Collection method: literature only. Allele origin: unknown. Inheritance: Autosomal dominant inheritance. Not counted in ClinVar's aggregate classification.

Brotman Baty Institute, University of Washington
No classification provided (evidence only). Condition: Breast-ovarian cancer, familial 1. Review status: no classification provided. Collection method: in vitro. Allele origin: not applicable. Functional consequence: functionally_abnormal. Not counted in ClinVar's aggregate classification.
ClinVar note: "not provided" was previously submitted as the classification for the variant. However, the classification appeared to be based only on an observation of functional data so it was converted to no classification on 2025-07-30.

Medical Genetics, Medical University Pleven
Classification: Pathogenic for Breast-ovarian cancer, familial, susceptibility to, 1. Review status: no assertion criteria provided. Collection method: research. Allele origin: germline. Inheritance: Autosomal dominant inheritance. Affected: yes. Not counted in ClinVar's aggregate classification.

Literature cited by the submitters: PubMed 36627008 (cited by Women's Health and Genetics/Laboratory Corporation of America, LabCorp); PubMed 19941162 (cited by 3 submitters); PubMed 28294317 (cited by Labcorp Genetics (formerly Invitae), Labcorp); PubMed 29310832 (cited by Labcorp Genetics (formerly Invitae), Labcorp and Ambry Genetics); PubMed 30209399 (cited by Labcorp Genetics (formerly Invitae), Labcorp and Ambry Genetics).